The following is an entry in ClinVar:

NM_024529.5(CDC73):c.131+1del

Gene: CDC73 (cell division cycle 73; plus strand). Cytogenetic location: 1q31.2.
Variant type: Deletion.
Coding change: c.131+1del on transcript NM_024529.5 (MANE Select); the canonical splice donor site of the intron after coding-DNA position 131, one base deleted (G; older notation c.131+1delG).
Molecular consequence: splice donor variant.
Genome position (GRCh38, 1-based): chr1:193,122,332, G deleted; the last of 5 consecutive G bases (chr1:193,122,328-193,122,332); deleting any one gives the same sequence. VCF-style (leftmost placement, unchanged base first): chr1-193122327-TG-T. GRCh37 (hg19) VCF-style: chr1-193091457-TG-T.
Identifiers: ClinVar variation 2691855 (VCV002691855.2), dbSNP rs2103111785, ClinGen allele CA2573971382.
Genomic context (GRCh38, chr1:193,122,327, plus strand): 5'-GACGAAGTGATCTTCGGGGAGTTCTCCTGGCCCAAGAATGTGAAGACCAACTATGTTGTT[TG>T]GGGGTAAGTCCGGCATGGCTGTGGCCCAGGGGTGGCAGGGCAGAGTTGGGCGCCCCCAGG-3'

ClinVar aggregate classification (germline): Pathogenic (1 of 4 stars; one submission).

Conditions:
Hyperparathyroidism 2 with jaw tumors. Also called: Hyperparathyroidism-Jaw Tumor Syndrome; Hyperparathyroidism 2; HYPERPARATHYROIDISM, FAMILIAL PRIMARY, WITH MULTIPLE OSSIFYING JAW FIBROMAS; HYPERPARATHYROIDISM-JAW TUMOR SYNDROME, HEREDITARY. Identifiers: Orphanet 99880, MedGen C1704981, MONDO:0007768, OMIM 145001.

Submission:

Institute of Human Genetics, University of Leipzig Medical Center
Classification: Pathogenic for Hyperparathyroidism 2 with jaw tumors. Last evaluated: 2023-12-27. Review status: criteria provided, single submitter. Criteria: ACMG Guidelines, 2015. Collection method: clinical testing. Allele origin: unknown. Inheritance: Autosomal dominant inheritance. Affected: yes.
Comment: Criteria applied: PVS1,PS4_SUP,PM2_SUP